The following is an entry in ClinVar:

ClinVar aggregate classification (germline): Uncertain significance (1 of 4 stars; one submission).

Conditions:
Arrhythmogenic right ventricular dysplasia 13. Also called: ARRHYTHMOGENIC RIGHT VENTRICULAR CARDIOMYOPATHY 13; Arrhythmogenic right ventricular dysplasia, familial, 13. Identifiers: MedGen C3810138, MONDO:0000908, OMIM 615616.

Submission:

Labcorp Genetics (formerly Invitae), Labcorp
Classification: Uncertain significance for Arrhythmogenic right ventricular dysplasia 13. Last evaluated: 2024-10-28. Review status: criteria provided, single submitter. Criteria: Invitae Variant Classification Sherloc (09022015). Collection method: clinical testing. Allele origin: germline.
Comment: This sequence change replaces phenylalanine, which is neutral and non-polar, with serine, which is neutral and polar, at codon 158 of the CTNNA3 protein (p.Phe158Ser). This variant is not present in population databases (gnomAD no frequency). This variant has not been reported in the literature in individuals affected with CTNNA3-related conditions. ClinVar contains an entry for this variant (Variation ID: 1370137). Invitae Evidence Modeling of protein sequence and biophysical properties (such as structural, functional, and spatial information, amino acid conservation, physicochemical variation, residue mobility, and thermodynamic stability) indicates that this missense variant is not expected to disrupt CTNNA3 protein function with a negative predictive value of 80%. In summary, the available evidence is currently insufficient to determine the role of this variant in disease. Therefore, it has been classified as a Variant of Uncertain Significance.

NM_013266.4(CTNNA3):c.473T>C (p.Phe158Ser)

Gene: CTNNA3 (catenin alpha 3; minus strand). Cytogenetic location: 10q21.3.
Variant type: single nucleotide variant.
Coding change: c.473T>C on transcript NM_013266.4 (MANE Select); coding-DNA position 473, T replaced by C.
Protein change: p.Phe158Ser; replaces phenylalanine 158 with serine.
Molecular consequence: missense variant.
Genome position (GRCh38, 1-based): chr10:67,521,948, A>G on the plus strand (T>C on the coding strand, the complement: CTNNA3 is on the minus strand). VCF-style: chr10-67521948-A-G. GRCh37 (hg19) VCF-style: chr10-69281706-A-G.
Other names: c.473T>C, p.Phe158Ser (NM_001127384.3); c.509T>C, p.Phe170Ser (NM_001291133.2); short protein forms F158S, F170S.
Identifiers: ClinVar variation 1370137 (VCV001370137.8), dbSNP rs1840000920, ClinGen allele CA377097660.